The following is an entry in ClinVar:

NM_000051.4(ATM):c.4179C>G (p.Ile1393Met)

Gene: ATM (ATM serine/threonine kinase; plus strand). Cytogenetic location: 11q22.3.
Variant type: single nucleotide variant.
Coding change: c.4179C>G on transcript NM_000051.4 (MANE Select); coding-DNA position 4179, C replaced by G.
Protein change: p.Ile1393Met; replaces isoleucine 1393 with methionine.
Molecular consequence: missense variant.
Genome position (GRCh38, 1-based): chr11:108,289,046, C>G. VCF-style: chr11-108289046-C-G. GRCh37 (hg19) VCF-style: chr11-108159773-C-G.
Other names: c.4179C>G, p.Ile1393Met (NM_001351834.2); short protein forms I1393M.
Identifiers: ClinVar variation 629058 (VCV000629058.53), dbSNP rs775688446, ClinGen allele CA382530233.

ClinVar aggregate classification (germline): Uncertain significance. Review status: criteria provided, multiple submitters, no conflicts (2 of 4 stars). 4 submissions from 4 submitters: Uncertain significance (4). Last evaluated 2026-04-14.

Conditions:
Ataxia-telangiectasia syndrome (AT). Also called: LOUIS-BAR SYNDROME; Cerebello-oculocutaneous telangiectasia; Immunodeficiency with ataxia telangiectasia; Ataxia-telangiectasia, complementation group D; AT, COMPLEMENTATION GROUP C; Ataxia-telangiectasia, complementation group E. Identifiers: Orphanet 100, MedGen C0004135, MONDO:0008840, OMIM 208900.
Hereditary cancer-predisposing syndrome. Also called: Neoplastic Syndromes, Hereditary; Hereditary Cancer Syndrome; Tumor predisposition; Hereditary neoplastic syndrome. Identifiers: Orphanet 140162, MedGen C0027672, MeSH D009386, MONDO:0015356.

Allele frequency attached by ClinVar (database versions not stated): gnomAD 0.00001.
gnomAD v4.1: 1 of 1,612,576 alleles (0.000062%); highest among the groups gnomAD compares: Non-Finnish European, 0.000085%; no homozygotes.

Submissions (4):

Ambry Genetics
Classification: Uncertain significance for Hereditary cancer-predisposing syndrome. Last evaluated: 2026-04-14. Review status: criteria provided, single submitter. Criteria: Ambry Variant Classification Scheme 2023. Collection method: clinical testing. Allele origin: germline.
Comment: The p.I1393M variant (also known as c.4179C>G), located in coding exon 27 of the ATM gene, results from a C to G substitution at nucleotide position 4179. The isoleucine at codon 1393 is replaced by methionine, an amino acid with highly similar properties. This amino acid position is well conserved in available vertebrate species. In addition, this alteration is predicted to be tolerated by in silico analysis. Based on the available evidence, the clinical significance of this variant remains unclear.

Labcorp Genetics (formerly Invitae), Labcorp
Classification: Uncertain significance for Ataxia-telangiectasia syndrome. Last evaluated: 2025-09-21. Review status: criteria provided, single submitter. Criteria: Invitae Variant Classification Sherloc (09022015). Collection method: clinical testing. Allele origin: germline.
Comment: This sequence change replaces isoleucine, which is neutral and non-polar, with methionine, which is neutral and non-polar, at codon 1393 of the ATM protein (p.Ile1393Met). This variant is present in population databases (no rsID available, gnomAD 0.0009%). This variant has not been reported in the literature in individuals affected with ATM-related conditions. ClinVar contains an entry for this variant (Variation ID: 629058). Invitae Evidence Modeling of protein sequence and biophysical properties (such as structural, functional, and spatial information, amino acid conservation, physicochemical variation, residue mobility, and thermodynamic stability) indicates that this missense variant is not expected to disrupt ATM protein function with a negative predictive value of 95%. In summary, the available evidence is currently insufficient to determine the role of this variant in disease. Therefore, it has been classified as a Variant of Uncertain Significance.

Color Diagnostics, LLC DBA Color Health
Classification: Uncertain significance for Hereditary cancer-predisposing syndrome. Last evaluated: 2024-03-06. Review status: criteria provided, single submitter. Criteria: ACMG Guidelines, 2015. Collection method: clinical testing. Allele origin: germline.
Comment: This missense variant replaces isoleucine with methionine at codon 1393 of the ATM protein. Computational prediction suggests that this variant may not impact protein structure and function (internally defined REVEL score threshold <= 0.5, PMID: 27666373). To our knowledge, functional studies have not been reported for this variant. This variant has not been reported in individuals affected with hereditary cancer in the literature. This variant has been identified in 1/251222 chromosomes in the general population by the Genome Aggregation Database (gnomAD). The available evidence is insufficient to determine the role of this variant in disease conclusively. Therefore, this variant is classified as a Variant of Uncertain Significance.

CeGaT Center for Human Genetics Tuebingen
Classification: Uncertain significance. Last evaluated: 2017-03-01. Review status: criteria provided, single submitter. Criteria: CeGaT Center For Human Genetics Tuebingen Variant Classification Criteria Version 2. Collection method: clinical testing. Allele origin: germline. Affected: yes. Observed: 1 variant allele.